The following is an entry in ClinVar:

ClinVar aggregate classification (germline): Uncertain significance. Review status: criteria provided, multiple submitters, no conflicts (2 of 4 stars). 3 submissions from 3 submitters: Uncertain significance (3). Last evaluated 2024-11-10.

Conditions:
Inborn genetic diseases. Identifiers: MedGen C0950123, MeSH D030342.
COG5-congenital disorder of glycosylation. Also called: CDG IIi; CONGENITAL DISORDER OF GLYCOSYLATION, TYPE IIi; COG5-CDG. Identifiers: Orphanet 263487, MedGen C3150876, MONDO:0013325, OMIM 613612.

Allele frequency attached by ClinVar (database versions not stated): ExAC 0.00001.

Submissions (3):

Ambry Genetics
Classification: Uncertain significance for Inborn genetic diseases. Last evaluated: 2024-11-10. Review status: criteria provided, single submitter. Criteria: Ambry Variant Classification Scheme 2023. Collection method: clinical testing. Allele origin: germline.

Women's Health and Genetics/Laboratory Corporation of America, LabCorp
Classification: Uncertain significance. Last evaluated: 2024-09-26. Review status: criteria provided, single submitter. Criteria: LabCorp Variant Classification Summary - May 2015. Collection method: clinical testing. Allele origin: germline.
Comment: Variant summary: COG5 c.-25C>A is located in the untranscribed region upstream of the COG5 gene region and corresponds to c.69C>A (p.Asp23Glu) in NM_006348.3. The variant allele was found at a frequency of 4.1e-06 in 244766 control chromosomes. The available data on variant occurrences in the general population are insufficient to allow any conclusion about variant significance. To our knowledge, no occurrence of this variant in individuals affected with Congenital Disorder Of Glycosylation, Type 2i and no experimental evidence demonstrating its impact on protein function have been reported. ClinVar contains an entry for this variant (Variation ID: 1936544). Based on the evidence outlined above, the variant was classified as uncertain significance.

Labcorp Genetics (formerly Invitae), Labcorp
Classification: Uncertain significance for COG5-congenital disorder of glycosylation. Last evaluated: 2022-05-31. Review status: criteria provided, single submitter. Criteria: Invitae Variant Classification Sherloc (09022015). Collection method: clinical testing. Allele origin: germline.
Comment: In summary, the available evidence is currently insufficient to determine the role of this variant in disease. Therefore, it has been classified as a Variant of Uncertain Significance. Algorithms developed to predict the effect of missense changes on protein structure and function are either unavailable or do not agree on the potential impact of this missense change (SIFT: "Deleterious"; PolyPhen-2: "Possibly Damaging"; Align-GVGD: "Class C0"). This variant has not been reported in the literature in individuals affected with COG5-related conditions. This variant is present in population databases (rs201256361, gnomAD 0.003%). This sequence change replaces aspartic acid, which is acidic and polar, with glutamic acid, which is acidic and polar, at codon 23 of the COG5 protein (p.Asp23Glu).

NM_006348.5(COG5):c.-25C>A

Gene: COG5 (component of oligomeric golgi complex 5; minus strand). Cytogenetic location: 7q22.3.
Variant type: single nucleotide variant.
Coding change: c.-25C>A on transcript NM_006348.5 (MANE Select); 25 bases upstream of the start codon, C replaced by A.
Genome position (GRCh38, 1-based): chr7:107,563,921, G>T on the plus strand (C>A on the coding strand, the complement: COG5 is on the minus strand). VCF-style: chr7-107563921-G-T. GRCh37 (hg19) VCF-style: chr7-107204366-G-T.
Other names: short protein forms D23E.
Identifiers: ClinVar variation 1936544 (VCV001936544.7), dbSNP rs201256361, ClinGen allele CA4431606.